The following is an entry in ClinVar:

NM_004959.5(NR5A1):c.776C>T (p.Pro259Leu)

Gene: NR5A1 (nuclear receptor subfamily 5 group A member 1; minus strand). Cytogenetic location: 9q33.3.
Variant type: single nucleotide variant.
Coding change: c.776C>T on transcript NM_004959.5 (MANE Select); coding-DNA position 776, C replaced by T.
Protein change: p.Pro259Leu; replaces proline 259 with leucine.
Molecular consequence: missense variant.
Genome position (GRCh38, 1-based): chr9:124,500,184, G>A on the plus strand (C>T on the coding strand, the complement: NR5A1 is on the minus strand). VCF-style: chr9-124500184-G-A. GRCh37 (hg19) VCF-style: chr9-127262463-G-A.
Other names: short protein forms P259L.
Identifiers: ClinVar variation 2946265 (VCV002946265.9), dbSNP rs148356103, ClinGen allele CA5235400.

ClinVar aggregate classification (germline): Uncertain significance. Review status: criteria provided, multiple submitters, no conflicts (2 of 4 stars). 2 submissions from 2 submitters: Uncertain significance (2). Last evaluated 2025-10-01.

Conditions:
Oligosynaptic infertility (SPGF1). Also called: SPERMATOGENIC FAILURE 1; OLIGOCHIASMATIC INFERTILITY. Identifiers: MedGen C0403810, MONDO:0009776, OMIM 258150.
46 XY differences of sex development. Also called: 46,XY disorder of sex development; 46, XY disorder of sex development (DSD). Identifiers: Orphanet 98085, MedGen C2751824, MONDO:0020040.

Allele frequency attached by ClinVar (database versions not stated): gnomAD exomes 0.00005; TOPMed 0.00007; ExAC 0.00008; gnomAD 0.00009; ESP Exome Variant Server 0.00015.
gnomAD v4.1: 88 of 1,610,598 alleles (0.0055%); highest among the groups gnomAD compares: Non-Finnish European, 0.0071%; no homozygotes.

Submissions (2):

CeGaT Center for Human Genetics Tuebingen
Classification: Uncertain significance. Last evaluated: 2025-10-01. Review status: criteria provided, single submitter. Criteria: CeGaT Center For Human Genetics Tuebingen Variant Classification Criteria Version 2. Collection method: clinical testing. Allele origin: germline. Affected: yes. Observed: 1 variant allele.

Labcorp Genetics (formerly Invitae), Labcorp
Classification: Uncertain significance for 46 XY differences of sex development; Oligosynaptic infertility. Last evaluated: 2024-03-05. Review status: criteria provided, single submitter. Criteria: Invitae Variant Classification Sherloc (09022015). Collection method: clinical testing. Allele origin: germline.
Comment: This sequence change replaces proline, which is neutral and non-polar, with leucine, which is neutral and non-polar, at codon 259 of the NR5A1 protein (p.Pro259Leu). This variant is present in population databases (rs148356103, gnomAD 0.01%). This missense change has been observed in individual(s) with 46,XY gonadal dysgenesis (PMID: 29190620). Advanced modeling of protein sequence and biophysical properties (such as structural, functional, and spatial information, amino acid conservation, physicochemical variation, residue mobility, and thermodynamic stability) performed at Invitae indicates that this missense variant is not expected to disrupt NR5A1 protein function with a negative predictive value of 80%. In summary, the available evidence is currently insufficient to determine the role of this variant in disease. Therefore, it has been classified as a Variant of Uncertain Significance.

Literature cited by the submitters: PubMed 29190620 (cited by Labcorp Genetics (formerly Invitae), Labcorp).